The following is an entry in ClinVar:

NM_053003.4(SIGLEC12):c.196dup (p.Ala66fs)

Gene: SIGLEC12 (sialic acid binding Ig like lectin 12; minus strand). Cytogenetic location: 19q13.41.
Variant type: Duplication.
Coding change: c.196dup on transcript NM_053003.4 (MANE Select); coding-DNA position 196, one base duplicated (G; older notation c.196dupG).
Protein change: p.Ala66fs; shifts the reading frame from alanine 66.
Molecular consequence: frameshift variant.
Genome position (GRCh38, 1-based): chr19:51,501,538, C duplicated on the plus strand (G on the coding strand, the reverse complement: SIGLEC12 is on the minus strand); the first of 3 consecutive C bases (chr19:51,501,538-51,501,540); duplicating any one gives the same sequence. VCF-style (leftmost placement, unchanged base first): chr19-51501537-G-GC. GRCh37 (hg19) VCF-style: chr19-52004791-G-GC.
Other names: NM_053003.2:c.196dupG; p.Ala66GlyfsX50; short protein forms A66fs.
Identifiers: ClinVar variation 403443 (VCV000403443.4), dbSNP rs66949844, ClinGen allele CA9613860.

ClinVar aggregate classification (germline): Benign (1 of 4 stars; one submission).

Submission:

Laboratory for Molecular Medicine, Mass General Brigham Personalized Medicine
Classification: Benign. Last evaluated: 2016-03-29. Review status: criteria provided, single submitter. Criteria: LMM Criteria. Collection method: clinical testing. Allele origin: germline.
Comment: Variant identified in a genome or exome case(s) and assessed due to predicted null impact of the variant or pathogenic assertions in the literature or databases. Disclaimer: This variant has not undergone full assessment. The following are preliminary notes: Frequency in ESP (all): 8141/12518=65%